The following is an entry in ClinVar:

NM_006206.6(PDGFRA):c.601A>G (p.Ile201Val)

Gene: PDGFRA (platelet derived growth factor receptor alpha; plus strand). Cytogenetic location: 4q12.
Variant type: single nucleotide variant.
Coding change: c.601A>G on transcript NM_006206.6 (MANE Select); coding-DNA position 601, A replaced by G.
Protein change: p.Ile201Val; replaces isoleucine 201 with valine.
Molecular consequence: missense variant.
Genome position (GRCh38, 1-based): chr4:54,263,900, A>G. VCF-style: chr4-54263900-A-G. GRCh37 (hg19) VCF-style: chr4-55130067-A-G.
Other names: c.601A>G, p.Ile201Val (NM_001347827.2, NM_001347829.2); c.676A>G, p.Ile226Val (NM_001347828.2); c.640A>G, p.Ile214Val (NM_001347830.2); short protein forms I201V, I214V, I226V.
Identifiers: ClinVar variation 1720241 (VCV001720241.7), dbSNP rs2110253786, ClinGen allele CA356890173.

ClinVar aggregate classification (germline): Uncertain significance. Review status: criteria provided, multiple submitters, no conflicts (2 of 4 stars). 2 submissions from 2 submitters: Uncertain significance (2). Last evaluated 2024-08-16.

Conditions:
Gastrointestinal stromal tumor. Also called: Gastrointestinal stroma tumor; Gastrointestinal stromal tumor, somatic. Identifiers: Orphanet 44890, MedGen C0238198, MeSH D046152, MONDO:0011719, OMIM 606764, HP:0100723.
Hereditary cancer-predisposing syndrome. Also called: Tumor predisposition; Neoplastic Syndromes, Hereditary; Hereditary Cancer Syndrome; Hereditary neoplastic syndrome. Identifiers: Orphanet 140162, MedGen C0027672, MeSH D009386, MONDO:0015356.

Submissions (2):

Ambry Genetics
Classification: Uncertain significance for Hereditary cancer-predisposing syndrome. Last evaluated: 2024-08-16. Review status: criteria provided, single submitter. Criteria: Ambry Variant Classification Scheme 2023. Collection method: clinical testing. Allele origin: germline.
Comment: The p.I201V variant (also known as c.601A>G), located in coding exon 3 of the PDGFRA gene, results from an A to G substitution at nucleotide position 601. The isoleucine at codon 201 is replaced by valine, an amino acid with highly similar properties. This amino acid position is conserved. In addition, this alteration is predicted to be tolerated by in silico analysis. Based on the available evidence, the clinical significance of this variant remains unclear.

Labcorp Genetics (formerly Invitae), Labcorp
Classification: Uncertain significance for Gastrointestinal stromal tumor. Last evaluated: 2022-09-23. Review status: criteria provided, single submitter. Criteria: Invitae Variant Classification Sherloc (09022015). Collection method: clinical testing. Allele origin: germline.
Comment: This sequence change replaces isoleucine, which is neutral and non-polar, with valine, which is neutral and non-polar, at codon 201 of the PDGFRA protein (p.Ile201Val). This variant is not present in population databases (gnomAD no frequency). This variant has not been reported in the literature in individuals affected with PDGFRA-related conditions. Advanced modeling of protein sequence and biophysical properties (such as structural, functional, and spatial information, amino acid conservation, physicochemical variation, residue mobility, and thermodynamic stability) performed at Invitae indicates that this missense variant is not expected to disrupt PDGFRA protein function. In summary, the available evidence is currently insufficient to determine the role of this variant in disease. Therefore, it has been classified as a Variant of Uncertain Significance.